The following is an entry in ClinVar:

NM_006269.2(RP1):c.3061C>A (p.His1021Asn)

Gene: RP1 (RP1 axonemal microtubule associated; plus strand). Cytogenetic location: 8q12.1.
Variant type: single nucleotide variant.
Coding change: c.3061C>A on transcript NM_006269.2 (MANE Select); coding-DNA position 3061, C replaced by A.
Protein change: p.His1021Asn; replaces histidine 1021 with asparagine.
Molecular consequence: missense variant. On other transcripts: intron variant (1).
Genome position (GRCh38, 1-based): chr8:54,626,943, C>A. VCF-style: chr8-54626943-C-A. GRCh37 (hg19) VCF-style: chr8-55539503-C-A.
Other names: c.787+4655C>A (NM_001375654.1); short protein forms H1021N.
Identifiers: ClinVar variation 3693679 (VCV003693679.2).

ClinVar aggregate classification (germline): Uncertain significance (1 of 4 stars; one submission).

gnomAD v4.1: 3 of 1,613,882 alleles (0.00019%); highest among the groups gnomAD compares: Non-Finnish European, 0.00025%; no homozygotes.

Submission:

Labcorp Genetics (formerly Invitae), Labcorp
Classification: Uncertain significance. Last evaluated: 2024-06-10. Review status: criteria provided, single submitter. Criteria: Invitae Variant Classification Sherloc (09022015). Collection method: clinical testing. Allele origin: germline.
Comment: This sequence change replaces histidine, which is basic and polar, with asparagine, which is neutral and polar, at codon 1021 of the RP1 protein (p.His1021Asn). This variant is present in population databases (no rsID available, gnomAD 0.0009%). This variant has not been reported in the literature in individuals affected with RP1-related conditions. Algorithms developed to predict the effect of missense changes on protein structure and function output the following: SIFT: "Not Available"; PolyPhen-2: "Benign"; Align-GVGD: "Not Available". The asparagine amino acid residue is found in multiple mammalian species, which suggests that this missense change does not adversely affect protein function. In summary, the available evidence is currently insufficient to determine the role of this variant in disease. Therefore, it has been classified as a Variant of Uncertain Significance.